The following is an entry in ClinVar:

ClinVar aggregate classification (germline): Uncertain significance (1 of 4 stars; one submission).

Conditions:
Deficiency of malonyl-CoA decarboxylase. Also called: Malonic aciduria; MCD deficiency. Identifiers: Orphanet 943, MedGen C0342793, MONDO:0009556, OMIM 248360.

gnomAD v4.1: 5 of 1,612,706 alleles (0.00031%); highest among the groups gnomAD compares: Admixed American, 0.0033%; no homozygotes.

Submission:

Labcorp Genetics (formerly Invitae), Labcorp
Classification: Uncertain significance for Deficiency of malonyl-CoA decarboxylase. Last evaluated: 2021-09-30. Review status: criteria provided, single submitter. Criteria: Invitae Variant Classification Sherloc (09022015). Collection method: clinical testing. Allele origin: germline.
Comment: This sequence change replaces asparagine with serine at codon 426 of the MLYCD protein (p.Asn426Ser). The asparagine residue is highly conserved and there is a small physicochemical difference between asparagine and serine. This variant is present in population databases (rs777032506, ExAC 0.002%). This variant has not been reported in the literature in individuals affected with MLYCD-related conditions. Algorithms developed to predict the effect of missense changes on protein structure and function (SIFT, PolyPhen-2, Align-GVGD) all suggest that this variant is likely to be disruptive. In summary, the available evidence is currently insufficient to determine the role of this variant in disease. Therefore, it has been classified as a Variant of Uncertain Significance.

NM_012213.3(MLYCD):c.1277A>G (p.Asn426Ser)

Gene: MLYCD (malonyl-CoA decarboxylase; plus strand). Cytogenetic location: 16q23.3.
Variant type: single nucleotide variant.
Coding change: c.1277A>G on transcript NM_012213.3 (MANE Select); coding-DNA position 1277, A replaced by G.
Protein change: p.Asn426Ser; replaces asparagine 426 with serine.
Molecular consequence: missense variant.
Genome position (GRCh38, 1-based): chr16:83,915,284, A>G. VCF-style: chr16-83915284-A-G. GRCh37 (hg19) VCF-style: chr16-83948889-A-G.
Other names: short protein forms N426S.
Identifiers: ClinVar variation 1391294 (VCV001391294.3), dbSNP rs777032506, ClinGen allele CA8197576.
Genomic context (GRCh38, chr16:83,915,284, plus strand): 5'-TGTATGGAGAGAAGCACCGCGGCTACGCGCTGAACCCCGTGGCCAACTTCCACCTGCAGA[A>G]CGGGGCGGTGCTGTGGCGCATCAACTGGATGGCGGATGTGAGCCTCAGAGGCATCACCGG-3'
Protein context (NP_036345.2, residues 416-436): LNPVANFHLQ[Asn426Ser]GAVLWRINWM